The following is an entry in ClinVar:

NM_003073.5(SMARCB1):c.93+105GC[7]

Gene: SMARCB1 (SWI/SNF related, matrix associated, actin dependent regulator of chromatin, subfamily b, member 1; plus strand). Cytogenetic location: 22q11.23.
Variant type: Microsatellite.
Coding change: c.93+105GC[7] on transcript NM_003073.5 (MANE Select); seven copies in a row of the 2-base unit GC starting at c.93+105; the reference has eight copies in a row; one copy, 2 bases deleted.
Molecular consequence: intron variant.
Genome position (GRCh38, 1-based): chr22:23,787,381-23,787,382, GC deleted; deleting any 2 consecutive bases within chr22:23,787,367-23,787,382 gives the same sequence; the position shown is the placement nearest the transcript's 3' end. VCF-style (leftmost placement, unchanged base first): chr22-23787366-GGC-G. GRCh37 (hg19) VCF-style: chr22-24129553-GGC-G.
Other names: c.93+105GC[7] (NM_001362877.2, NM_001317946.2, NM_001007468.3).
Identifiers: ClinVar variation 677097 (VCV000677097.1), dbSNP rs55705149, ClinGen allele CA322592651.

ClinVar aggregate classification (germline): Benign (1 of 4 stars; one submission).

Submission:

GeneDx
Classification: Benign. Last evaluated: 2018-06-15. Review status: criteria provided, single submitter. Criteria: GeneDx Variant Classification (06012015). Collection method: clinical testing. Allele origin: germline. Affected: yes.
Comment: This variant is considered likely benign or benign based on one or more of the following criteria: it is a conservative change, it occurs at a poorly conserved position in the protein, it is predicted to be benign by multiple in silico algorithms, and/or has population frequency not consistent with disease.